The following is an entry in ClinVar:

NM_152703.5(SAMD9L):c.1939A>G (p.Lys647Glu)

Gene: SAMD9L (sterile alpha motif domain containing 9 like; minus strand). Cytogenetic location: 7q21.2.
Variant type: single nucleotide variant.
Coding change: c.1939A>G on transcript NM_152703.5 (MANE Select); coding-DNA position 1939, A replaced by G.
Protein change: p.Lys647Glu; replaces lysine 647 with glutamic acid.
Molecular consequence: missense variant.
Genome position (GRCh38, 1-based): chr7:93,134,033, T>C on the plus strand (A>G on the coding strand, the complement: SAMD9L is on the minus strand). VCF-style: chr7-93134033-T-C. GRCh37 (hg19) VCF-style: chr7-92763346-T-C.
Other names: c.1939A>G, p.Lys647Glu (NM_001303496.3, NM_001303497.3, NM_001303498.3 and 5 more transcripts); short protein forms K647E.
Identifiers: ClinVar variation 3792225 (VCV003792225.1).

ClinVar aggregate classification (germline): Uncertain significance (1 of 4 stars; one submission).

Conditions:
Inborn genetic diseases. Identifiers: MedGen C0950123, MeSH D030342.

Submission:

Ambry Genetics
Classification: Uncertain significance for Inborn genetic diseases. Last evaluated: 2024-12-19. Review status: criteria provided, single submitter. Criteria: Ambry Variant Classification Scheme 2023. Collection method: clinical testing. Allele origin: germline.
Comment: The p.K647E variant (also known as c.1939A>G), located in coding exon 1 of the SAMD9L gene, results from an A to G substitution at nucleotide position 1939. The lysine at codon 647 is replaced by glutamic acid, an amino acid with similar properties. This amino acid position is conserved. In addition, this alteration is predicted to be tolerated by in silico analysis. Based on the available evidence, the clinical significance of this variant remains unclear.